The following is an entry in ClinVar:

NM_014244.5(ADAMTS2):c.1116del (p.Pro373fs)

Gene: ADAMTS2 (ADAM metallopeptidase with thrombospondin type 1 motif 2; minus strand). Cytogenetic location: 5q35.3.
Variant type: Deletion.
Coding change: c.1116del on transcript NM_014244.5 (MANE Select); coding-DNA position 1116, one base deleted (G; older notation c.1116delG).
Protein change: p.Pro373fs; shifts the reading frame from proline 373.
Molecular consequence: frameshift variant.
Genome position (GRCh38, 1-based): chr5:179,158,739, C deleted on the plus strand (G on the coding strand, the reverse complement: ADAMTS2 is on the minus strand); the first of 3 consecutive C bases (chr5:179,158,739-179,158,741); deleting any one gives the same sequence. VCF-style (leftmost placement, unchanged base first): chr5-179158738-GC-G. GRCh37 (hg19) VCF-style: chr5-178585739-GC-G.
Other names: c.1116del, p.Pro373fs (NM_021599.4); short protein forms P373fs.
Identifiers: ClinVar variation 5014521 (VCV005014521.1).
Genomic context (GRCh38, chr5:179,158,738, plus strand): 5'-ATTTCCAGCTTCACGCCTCTGTGGCCCTGCATGGGTGAGGCTCACCTTGCATGCCGGAAG[GC>G]CCAAAGTCCTGCCGTGTGAGGAAGATGGCGTGATCGTGGTATTCATCGTGGCCCGTGTCT-3'

ClinVar aggregate classification (germline): Pathogenic (1 of 4 stars; one submission).

Conditions:
Ehlers-Danlos syndrome, dermatosparaxis type. Also called: EDS VIIC; Dermatosparaxis; Ehlers-Danlos syndrome, type VII, autosomal recessive. Identifiers: Orphanet 1901, MedGen C2700425, MONDO:0009161, OMIM 225410.

Submission:

Myriad Genetics, Inc.
Classification: Pathogenic for Ehlers-Danlos syndrome, dermatosparaxis type. Last evaluated: 2025-05-25. Review status: criteria provided, single submitter. Criteria: Myriad Autosomal Dominant, Autosomal Recessive and X-Linked Classification Criteria (2023). Collection method: clinical testing. Allele origin: unknown.
Comment: NM_014244.4(ADAMTS2):c.1116delG(P373Lfs*22) is expected to be pathogenic in the context of Ehlers-Danlos syndrome, ADAMTS2-related. This variant is predicted to lead to an abnormal or absent protein product due to the creation of a premature termination codon in ADAMTS2, a gene where loss-of-function variants are known to be pathogenic. Please note: this variant was assessed in the context of healthy population screening.